The following is an entry in ClinVar:

NM_001166114.2(PNPLA6):c.3643C>T (p.Arg1215Cys)

Gene: PNPLA6 (patatin like domain 6, lysophospholipase; plus strand). Cytogenetic location: 19p13.2.
Variant type: single nucleotide variant.
Coding change: c.3643C>T on transcript NM_001166114.2 (MANE Select); coding-DNA position 3643, C replaced by T.
Protein change: p.Arg1215Cys; replaces arginine 1215 with cysteine.
Molecular consequence: missense variant.
Genome position (GRCh38, 1-based): chr19:7,559,095, C>T. VCF-style: chr19-7559095-C-T. GRCh37 (hg19) VCF-style: chr19-7623981-C-T.
Other names: c.3673C>T, p.Arg1225Cys (NM_001166111.2); c.3448C>T, p.Arg1150Cys (NM_001166112.2); c.3529C>T, p.Arg1177Cys (NM_001166113.1, NM_006702.5); short protein forms R1215C, R1177C, R1225C, R1150C.
Identifiers: ClinVar variation 1978554 (VCV001978554.4), dbSNP rs2512571605, ClinGen allele CA403135695.
Genomic context (GRCh38, chr19:7,559,095, plus strand): 5'-TACGTGTCCTGTGTGCGGCAGCTAGAGGTTGTCAAGTCCAGCTCCTACTGCGAGTACCTG[C>T]GCCCGCCCATCGACTGCTTCAAGACCATGGACTTTGGGAAGTTCGACCAGATCTATGTGA-3'
Protein context (NP_001159586.1, residues 1205-1225): VKSSSYCEYL[Arg1215Cys]PPIDCFKTMD

ClinVar aggregate classification (germline): Uncertain significance (1 of 4 stars; one submission).

Conditions:
Hereditary spastic paraplegia 39 (SPG39). Also called: SPASTIC PARAPLEGIA 39, AUTOSOMAL RECESSIVE; Spastic Paraplegia Type 39 (SPG39). Identifiers: Orphanet 139480, MedGen C2677586, MONDO:0012787, OMIM 612020.

Allele frequency attached by ClinVar (database versions not stated): gnomAD exomes below 0.00001.

Submission:

Labcorp Genetics (formerly Invitae), Labcorp
Classification: Uncertain significance for Hereditary spastic paraplegia 39. Last evaluated: 2022-02-28. Review status: criteria provided, single submitter. Criteria: Invitae Variant Classification Sherloc (09022015). Collection method: clinical testing. Allele origin: germline.
Comment: This sequence change replaces arginine, which is basic and polar, with cysteine, which is neutral and slightly polar, at codon 1177 of the PNPLA6 protein (p.Arg1177Cys). In summary, the available evidence is currently insufficient to determine the role of this variant in disease. Therefore, it has been classified as a Variant of Uncertain Significance. Algorithms developed to predict the effect of missense changes on protein structure and function (SIFT, PolyPhen-2, Align-GVGD) all suggest that this variant is likely to be disruptive. This variant has not been reported in the literature in individuals affected with PNPLA6-related conditions. This variant is not present in population databases (gnomAD no frequency).